The following is an entry in ClinVar:

NM_001875.5(CPS1):c.3443T>A (p.Met1148Lys)

Gene: CPS1 (carbamoyl-phosphate synthase 1; plus strand). Cytogenetic location: 2q34.
Variant type: single nucleotide variant.
Coding change: c.3443T>A on transcript NM_001875.5 (MANE Select); coding-DNA position 3443, T replaced by A.
Protein change: p.Met1148Lys; replaces methionine 1148 with lysine.
Molecular consequence: missense variant. On other transcripts: non-coding transcript variant (2).
Genome position (GRCh38, 1-based): chr2:210,650,401, T>A. VCF-style: chr2-210650401-T-A. GRCh37 (hg19) VCF-style: chr2-211515125-T-A.
Other names: c.3443T>A (LRG_336t1); c.3443T>A, p.Met1148Lys (NM_001122633.3, NM_001369257.1); c.3476T>A, p.Met1159Lys (NM_001369256.1); short protein forms M1148K, M1159K.
Identifiers: ClinVar variation 556142 (VCV000556142.6), dbSNP rs1553517387, ClinGen allele CA350436956.

ClinVar aggregate classification (germline): Uncertain significance. Review status: criteria provided, single submitter (1 of 4 stars). 3 submissions from 3 submitters: Uncertain significance (1). 2 of the submissions do not count toward it.

Conditions:
Congenital hyperammonemia, type I. Also called: Carbamoyl-phosphate synthase I deficiency; CPS I DEFICIENCY; Carbamoyl phosphate synthetase I deficiency disease; Carbamoyl phosphate synthetase 1 deficiency; Hyperammonemia due to carbamoyl phosphate synthetase 1 deficiency; CPS 1 deficiency. Identifiers: Orphanet 147, MedGen C4082171, MONDO:0009376, OMIM 237300.

Submissions (3):

Juno Genomics, Hangzhou Juno Genomics, Inc
Classification: Uncertain significance for Congenital hyperammonemia, type I. Review status: criteria provided, single submitter. Criteria: ACMG Guidelines, 2015. Collection method: clinical testing. Allele origin: germline. Affected: yes.
Comment: Absent from controls (or at extremely low frequency if recessive) in Genome Aggregation Database, Exome Sequencing Project, 1000 Genomes Project, or Exome Aggregation Consortium.;Multiple lines of computational evidence support a deleterious effect on the gene or gene product (conservation, evolutionary, splicing impact, etc).

Medical Genetics Clinic, Shanghai Children's Hospital
Classification: Uncertain significance for Congenital hyperammonemia, type I. Last evaluated: 2024-12-28. Review status: no assertion criteria provided. Collection method: clinical testing. Allele origin: germline. Affected: yes. Not counted in ClinVar's aggregate classification.

Counsyl
Classification: Uncertain significance for Congenital hyperammonemia, type I. Last evaluated: 2018-02-05. Review status: no assertion criteria provided. Collection method: clinical testing. Allele origin: unknown. Not counted in ClinVar's aggregate classification.

Literature cited by the submitters: PubMed 28444906 (cited by Medical Genetics Clinic, Shanghai Children's Hospital and Counsyl).